The following is an entry in ClinVar:

NM_004006.3(DMD):c.2125C>T (p.Gln709Ter)

Gene: DMD (dystrophin; minus strand). Cytogenetic location: Xp21.1.
Variant type: single nucleotide variant.
Coding change: c.2125C>T on transcript NM_004006.3 (MANE Select); coding-DNA position 2125, C replaced by T.
Protein change: p.Gln709Ter; replaces glutamine 709 with a stop codon.
Molecular consequence: nonsense.
Genome position (GRCh38, 1-based): chrX:32,545,202, G>A on the plus strand (C>T on the coding strand, the complement: DMD is on the minus strand). VCF-style: chrX-32545202-G-A. GRCh37 (hg19) VCF-style: chrX-32563319-G-A.
Other names: c.2101C>T, p.Gln701Ter (NM_000109.4); c.2113C>T, p.Gln705Ter (NM_004009.3); c.1756C>T, p.Gln586Ter (NM_004010.3); short protein forms Q586*, Q701*, Q705*, Q709*.
Identifiers: ClinVar variation 1322514 (VCV001322514.7), dbSNP rs2148959323, ClinGen allele CA412667745.
Genomic context (GRCh38, chrX:32,545,202, plus strand): 5'-GCTTAAGATGCTCTCACCTTTTCCTAATTTCAGAATCCACAGTAATCTGCCTCTTCTTTT[G>A]GGGAGGTGGTGGTGGAAGTTCCTCTTGAGCATGCTTTACCAGGATCTGTTCCCTTGTGGT-3'

ClinVar aggregate classification (germline): Pathogenic (1 of 4 stars; one submission).

Conditions:
Duchenne muscular dystrophy (DMD). Also called: MUSCULAR DYSTROPHY, PSEUDOHYPERTROPHIC PROGRESSIVE, DUCHENNE TYPE; Duchenne Muscular Dystrophy (DMD). Identifiers: Orphanet 98896, MedGen C0013264, MONDO:0010679, OMIM 310200.

Submission:

Labcorp Genetics (formerly Invitae), Labcorp
Classification: Pathogenic for Duchenne muscular dystrophy. Last evaluated: 2022-11-15. Review status: criteria provided, single submitter. Criteria: Invitae Variant Classification Sherloc (09022015). Collection method: clinical testing. Allele origin: germline.
Comment: For these reasons, this variant has been classified as Pathogenic. ClinVar contains an entry for this variant (Variation ID: 1322514). This premature translational stop signal has been observed in individual(s) with Duchenne muscular dystrophy (PMID: 19959795). This variant is not present in population databases (gnomAD no frequency). This sequence change creates a premature translational stop signal (p.Gln709*) in the DMD gene. It is expected to result in an absent or disrupted protein product. Loss-of-function variants in DMD are known to be pathogenic (PMID: 16770791, 25007885).

Literature cited by the submitters: PubMed 19959795; PubMed 16770791; PubMed 25007885.